The following is an entry in ClinVar:

NM_005850.5(SF3B4):c.175G>C (p.Val59Leu)

Gene: SF3B4 (splicing factor 3b subunit 4; minus strand). Cytogenetic location: 1q21.2.
Variant type: single nucleotide variant.
Coding change: c.175G>C on transcript NM_005850.5 (MANE Select); coding-DNA position 175, G replaced by C.
Protein change: p.Val59Leu; replaces valine 59 with leucine.
Molecular consequence: missense variant.
Genome position (GRCh38, 1-based): chr1:149,926,907, C>G on the plus strand (G>C on the coding strand, the complement: SF3B4 is on the minus strand). VCF-style: chr1-149926907-C-G. GRCh37 (hg19) VCF-style: chr1-149898799-C-G.
Other names: short protein forms V59L.
Identifiers: ClinVar variation 2506819 (VCV002506819.1), dbSNP rs2525123863, ClinGen allele CA342278636.

ClinVar aggregate classification (germline): Uncertain significance (1 of 4 stars; one submission).

Submission:

GeneDx
Classification: Uncertain significance. Last evaluated: 2022-12-20. Review status: criteria provided, single submitter. Criteria: GeneDx Variant Classification Process June 2021. Collection method: clinical testing. Allele origin: germline. Affected: yes.
Comment: Not observed at significant frequency in large population cohorts (gnomAD); In silico analysis supports that this missense variant has a deleterious effect on protein structure/function; Has not been previously published as pathogenic or benign to our knowledge